The following is an entry in ClinVar:

NM_001365276.2(TNXB):c.10576C>T (p.Leu3526=)

Gene: TNXB (tenascin XB; minus strand). Cytogenetic location: 6p21.33.
Variant type: single nucleotide variant.
Coding change: c.10576C>T on transcript NM_001365276.2 (MANE Select); coding-DNA position 10576, C replaced by T.
Protein change: p.Leu3526=; no amino-acid change (leucine 3526 retained).
Molecular consequence: synonymous variant.
Genome position (GRCh38, 1-based): chr6:32,046,205, G>A on the plus strand (C>T on the coding strand, the complement: TNXB is on the minus strand). VCF-style: chr6-32046205-G-A. GRCh37 (hg19) VCF-style: chr6-32013982-G-A.
Other names: c.10570C>T, p.Leu3524= (NM_019105.8).
Identifiers: ClinVar variation 1778780 (VCV001778780.7), dbSNP rs373902204, ClinGen allele CA3733194.

ClinVar aggregate classification (germline): Likely benign. Review status: criteria provided, multiple submitters, no conflicts (2 of 4 stars). 3 submissions from 3 submitters: Likely benign (3). Last evaluated 2026-02-01.

Conditions:
Cardiovascular phenotype. Identifiers: MedGen CN230736.

Allele frequency attached by ClinVar (database versions not stated): gnomAD exomes 0.00002; ExAC 0.00005; ESP Exome Variant Server 0.00013; gnomAD 0.00023; TOPMed 0.00025.
gnomAD v4.1: 63 of 1,592,080 alleles (0.004%); highest among the groups gnomAD compares: African/African-American, 0.078%; 1 homozygote.

Submissions (3):

CeGaT Center for Human Genetics Tuebingen
Classification: Likely benign. Last evaluated: 2026-02-01. Review status: criteria provided, single submitter. Criteria: CeGaT Center For Human Genetics Tuebingen Variant Classification Criteria Version 2. Collection method: clinical testing. Allele origin: germline. Affected: yes. Observed: 1 variant allele.
Comment: TNXB: BP4, BP7

Labcorp Genetics (formerly Invitae), Labcorp
Classification: Likely benign. Last evaluated: 2026-01-12. Review status: criteria provided, single submitter. Criteria: Invitae Variant Classification Sherloc (09022015). Collection method: clinical testing. Allele origin: germline.

Ambry Genetics
Classification: Likely benign for Cardiovascular phenotype. Last evaluated: 2019-11-07. Review status: criteria provided, single submitter. Criteria: Ambry Variant Classification Scheme 2023. Collection method: clinical testing. Allele origin: germline.